The following is an entry in ClinVar:

NM_018026.4(PACS1):c.1291_1293+6dup

Gene: PACS1 (phosphofurin acidic cluster sorting protein 1; plus strand). Cytogenetic location: 11q13.2.
Variant type: Duplication.
Coding change: c.1291_1293+6dup on transcript NM_018026.4 (MANE Select); coding-DNA position 1291 through 6 bases into the intron after coding-DNA position 1293, 9 bases duplicated (CCTGTGAGC; older notation c.1291_1293+6dupCCTGTGAGC).
Molecular consequence: splice donor variant.
Genome position (GRCh38, 1-based): chr11:66,221,245-66,221,253, CCTGTGAGC duplicated; duplicating any 9 consecutive bases within chr11:66,221,242-66,221,253 gives the same sequence; the c. name uses the placement nearest the transcript's 3' end. VCF-style (leftmost placement, unchanged base first): chr11-66221241-C-CAGCCCTGTG. GRCh37 (hg19) VCF-style: chr11-65988712-C-CAGCCCTGTG.
Identifiers: ClinVar variation 2836701 (VCV002836701.3), dbSNP rs2495562696, ClinGen allele CA2739270523.

ClinVar aggregate classification (germline): Uncertain significance (1 of 4 stars; one submission).

Conditions:
Schuurs-Hoeijmakers syndrome. Also called: PACS1-Related Neurodevelopmental Disorder. Identifiers: Orphanet 329224, MedGen C3554343, MONDO:0014006, OMIM 615009.

Submission:

Labcorp Genetics (formerly Invitae), Labcorp
Classification: Uncertain significance for Schuurs-Hoeijmakers syndrome. Last evaluated: 2023-02-13. Review status: criteria provided, single submitter. Criteria: Invitae Variant Classification Sherloc (09022015). Collection method: clinical testing. Allele origin: germline.
Comment: This variant is not present in population databases (gnomAD no frequency). This sequence change falls in intron 10 of the PACS1 gene. It does not directly change the encoded amino acid sequence of the PACS1 protein. This variant has not been reported in the literature in individuals affected with PACS1-related conditions. In summary, the available evidence is currently insufficient to determine the role of this variant in disease. Therefore, it has been classified as a Variant of Uncertain Significance. Algorithms developed to predict the effect of sequence changes on RNA splicing suggest that this variant may create or strengthen a splice site.